The following is an entry in ClinVar:

NM_015178.3(RHOBTB2):c.1209T>C (p.Asp403=)

Gene: RHOBTB2 (Rho related BTB domain containing 2; plus strand). Cytogenetic location: 8p21.3.
Variant type: single nucleotide variant.
Coding change: c.1209T>C on transcript NM_015178.3 (MANE Select); coding-DNA position 1209, T replaced by C.
Protein change: p.Asp403=; no amino-acid change (aspartic acid 403 retained).
Molecular consequence: synonymous variant.
Genome position (GRCh38, 1-based): chr8:23,007,454, T>C. VCF-style: chr8-23007454-T-C. GRCh37 (hg19) VCF-style: chr8-22864967-T-C.
Other names: c.1275T>C, p.Asp425= (NM_001160036.2); c.1230T>C, p.Asp410= (NM_001160037.2); c.1209T>C, p.Asp403= (NM_001374791.1).
Identifiers: ClinVar variation 4873500 (VCV004873500.2).

ClinVar aggregate classification (germline): Likely benign (1 of 4 stars; one submission).

gnomAD v4.1: 1 of 1,613,966 alleles (0.000062%); no homozygotes.

Submission:

CeGaT Center for Human Genetics Tuebingen
Classification: Likely benign. Last evaluated: 2026-05-01. Review status: criteria provided, single submitter. Criteria: CeGaT Center For Human Genetics Tuebingen Variant Classification Criteria Version 2. Collection method: clinical testing. Allele origin: germline. Affected: yes. Observed: 1 variant allele.
Comment: RHOBTB2: BP4, BP7